The following is an entry in ClinVar:

NM_001369.3(DNAH5):c.5389C>T (p.Gln1797Ter)

Gene: DNAH5 (dynein axonemal heavy chain 5; minus strand). Cytogenetic location: 5p15.2.
Variant type: single nucleotide variant.
Coding change: c.5389C>T on transcript NM_001369.3 (MANE Select); coding-DNA position 5389, C replaced by T.
Protein change: p.Gln1797Ter; replaces glutamine 1797 with a stop codon.
Molecular consequence: nonsense.
Genome position (GRCh38, 1-based): chr5:13,841,787, G>A on the plus strand (C>T on the coding strand, the complement: DNAH5 is on the minus strand). VCF-style: chr5-13841787-G-A. GRCh37 (hg19) VCF-style: chr5-13841896-G-A.
Other names: short protein forms Q1797*.
Identifiers: ClinVar variation 1747204 (VCV001747204.2), dbSNP rs2546911328, ClinGen allele CA359211599.

ClinVar aggregate classification (germline): Pathogenic (1 of 4 stars; one submission).

Conditions:
Primary ciliary dyskinesia. Also called: Ciliary dyskinesia. Identifiers: Orphanet 244, MedGen C0008780, MONDO:0016575, HP:0012265.

Submission:

Ambry Genetics
Classification: Pathogenic for Primary ciliary dyskinesia. Last evaluated: 2016-05-11. Review status: criteria provided, single submitter. Criteria: Ambry Variant Classification Scheme 2023. Collection method: clinical testing. Allele origin: germline.
Comment: The p.Q1797* pathogenic mutation (also known as c.5389C>T), located in coding exon 33 of the DNAH5 gene, results from a C to T substitution at nucleotide position 5389. This changes the amino acid from a glutamine to a stop codon within coding exon 33. Since premature stop codons are typically deleterious in nature, this alteration is interpreted as a disease-causing mutation (ACMG Recommendations for Standards for Interpretation and Reporting of Sequence Variations. Revision 2007. Genet Med. 2008;10:294).